The following is an entry in ClinVar:

NC_000017.10:g.(?_16203182)_(16229212_?)dup

Gene: PIGL (phosphatidylinositol glycan anchor biosynthesis class L; plus strand). Cytogenetic location: 17p11.2.
Variant type: Duplication.
Identifiers: ClinVar variation 3243157 (VCV003243157.1).

ClinVar aggregate classification (germline): Uncertain significance (1 of 4 stars; one submission).

Submission:

Labcorp Genetics (formerly Invitae), Labcorp
Classification: Uncertain significance. Last evaluated: 2023-08-07. Review status: criteria provided, single submitter. Criteria: Invitae Variant Classification Sherloc (09022015). Collection method: clinical testing. Allele origin: unknown.
Comment: In summary, the available evidence is currently insufficient to determine the role of this variant in disease. Therefore, it has been classified as a Variant of Uncertain Significance. Experimental studies and prediction algorithms are not available or were not evaluated, and the functional significance of this variant is currently unknown. This variant has not been reported in the literature in individuals affected with PIGL-related conditions. This variant results in a copy number gain of the genomic region encompassing exon(s) 3-7 of the PIGL gene. This region includes the termination codon of the gene. This copy number gain extends beyond the assayed region for this gene and therefore may encompass additional genes. As the precise location of this event is unknown, it may be in tandem or it may be located elsewhere in the genome.